The following is an entry in ClinVar:

ClinVar aggregate classification (germline): Uncertain significance. Review status: criteria provided, multiple submitters, no conflicts (2 of 4 stars). 2 submissions from 2 submitters: Uncertain significance (2). Last evaluated 2023-10-30.

Conditions:
Spastic paraplegia. Identifiers: MedGen C0037772, HP:0001258.

Allele frequency attached by ClinVar (database versions not stated): ExAC 0.00002; gnomAD 0.00003; ESP Exome Variant Server 0.00008; TOPMed 0.00001; gnomAD exomes 0.00002.

Submissions (2):

Women's Health and Genetics/Laboratory Corporation of America, LabCorp
Classification: Uncertain significance. Last evaluated: 2023-10-30. Review status: criteria provided, single submitter. Criteria: LabCorp Variant Classification Summary - May 2015. Collection method: clinical testing. Allele origin: germline.
Comment: Variant summary: HSPD1 c.385G>A (p.Glu129Lys) results in a conservative amino acid change in the encoded protein sequence. Three of four in-silico tools predict a benign effect of the variant on protein function. The variant allele was found at a frequency of 1.6e-05 in 251410 control chromosomes. The available data on variant occurrences in the general population are insufficient to allow any conclusion about variant significance. To our knowledge, no occurrence of c.385G>A in individuals affected with HSPD1-Related Disorders and no experimental evidence demonstrating its impact on protein function have been reported. One submitter has cited clinical-significance assessments for this variant to ClinVar after 2014 and has classified the variant as uncertain significance. Based on the evidence outlined above, the variant was classified as uncertain significance.

Labcorp Genetics (formerly Invitae), Labcorp
Classification: Uncertain significance for Spastic paraplegia. Last evaluated: 2023-07-21. Review status: criteria provided, single submitter. Criteria: Invitae Variant Classification Sherloc (09022015). Collection method: clinical testing. Allele origin: germline.
Comment: This sequence change replaces glutamic acid, which is acidic and polar, with lysine, which is basic and polar, at codon 129 of the HSPD1 protein (p.Glu129Lys). This variant is present in population databases (rs139436185, gnomAD 0.004%). This variant has not been reported in the literature in individuals affected with HSPD1-related conditions. ClinVar contains an entry for this variant (Variation ID: 239103). Advanced modeling of protein sequence and biophysical properties (such as structural, functional, and spatial information, amino acid conservation, physicochemical variation, residue mobility, and thermodynamic stability) performed at Invitae indicates that this missense variant is not expected to disrupt HSPD1 protein function. In summary, the available evidence is currently insufficient to determine the role of this variant in disease. Therefore, it has been classified as a Variant of Uncertain Significance.

NM_002156.5(HSPD1):c.385G>A (p.Glu129Lys)

Gene: HSPD1 (heat shock protein family D (Hsp60) member 1; minus strand). Cytogenetic location: 2q33.1.
Variant type: single nucleotide variant.
Coding change: c.385G>A on transcript NM_002156.5 (MANE Select); coding-DNA position 385, G replaced by A.
Protein change: p.Glu129Lys; replaces glutamic acid 129 with lysine.
Molecular consequence: missense variant.
Genome position (GRCh38, 1-based): chr2:197,497,182, C>T on the plus strand (G>A on the coding strand, the complement: HSPD1 is on the minus strand). VCF-style: chr2-197497182-C-T. GRCh37 (hg19) VCF-style: chr2-198361906-C-T.
Other names: c.385G>A, p.Glu129Lys (NM_199440.2); short protein forms E129K.
Identifiers: ClinVar variation 239103 (VCV000239103.6), dbSNP rs139436185, ClinGen allele CA2043636.
Genomic context (GRCh38, chr2:197,497,182, plus strand): 5'-GACAACAGACATTCCTACCTCTCCTGATTTCCACTGGATTAGCACCTTTGCTAATCTTCT[C>T]GAAGCCTTCCTTGGCTATAGAGCGTGCCAGTACAGTAGCAGTGGTAGTGCCATCCCCAGC-3'
Protein context (NP_002147.2, residues 119-139): LARSIAKEGF[Glu129Lys]KISKGANPVE